The following is an entry in ClinVar:

ClinVar aggregate classification (germline): Uncertain significance (1 of 4 stars; one submission).

gnomAD v4.1: 7 of 1,556,254 alleles (0.00045%); highest among the groups gnomAD compares: Non-Finnish European, 0.00061%; no homozygotes.

Submission:

Labcorp Genetics (formerly Invitae), Labcorp
Classification: Uncertain significance. Last evaluated: 2024-02-17. Review status: criteria provided, single submitter. Criteria: Invitae Variant Classification Sherloc (09022015). Collection method: clinical testing. Allele origin: germline.
Comment: This sequence change replaces arginine, which is basic and polar, with glutamine, which is neutral and polar, at codon 523 of the FUK protein (p.Arg523Gln). The frequency data for this variant in the population databases is considered unreliable, as metrics indicate poor data quality at this position in the gnomAD database. This variant has not been reported in the literature in individuals affected with FUK-related conditions. An algorithm developed to predict the effect of missense changes on protein structure and function (PolyPhen-2) suggests that this variant is likely to be disruptive. In summary, the available evidence is currently insufficient to determine the role of this variant in disease. Therefore, it has been classified as a Variant of Uncertain Significance.

NM_145059.3(FCSK):c.1568G>A (p.Arg523Gln)

Gene: FCSK (fucose kinase; plus strand). Cytogenetic location: 16q22.1.
Variant type: single nucleotide variant.
Coding change: c.1568G>A on transcript NM_145059.3 (MANE Select); coding-DNA position 1568, G replaced by A.
Protein change: p.Arg523Gln; replaces arginine 523 with glutamine.
Molecular consequence: missense variant.
Genome position (GRCh38, 1-based): chr16:70,473,144, G>A. VCF-style: chr16-70473144-G-A. GRCh37 (hg19) VCF-style: chr16-70507047-G-A.
Other names: short protein forms R523Q.
Identifiers: ClinVar variation 3611187 (VCV003611187.2).